The following is an entry in ClinVar:

NM_012120.3(CD2AP):c.1280A>G (p.Asn427Ser)

Gene: CD2AP (CD2 associated protein; plus strand). Cytogenetic location: 6p12.3.
Variant type: single nucleotide variant.
Coding change: c.1280A>G on transcript NM_012120.3 (MANE Select); coding-DNA position 1280, A replaced by G.
Protein change: p.Asn427Ser; replaces asparagine 427 with serine.
Molecular consequence: missense variant.
Genome position (GRCh38, 1-based): chr6:47,599,306, A>G. VCF-style: chr6-47599306-A-G. GRCh37 (hg19) VCF-style: chr6-47567042-A-G.
Other names: c.1280A>G (NM_012120.2); short protein forms N427S.
Identifiers: ClinVar variation 2053256 (VCV002053256.5), dbSNP rs1441721261, ClinGen allele CA363939337.

ClinVar aggregate classification (germline): Uncertain significance. Review status: criteria provided, multiple submitters, no conflicts (2 of 4 stars). 2 submissions from 2 submitters: Uncertain significance (2). Last evaluated 2024-10-04.

Conditions:
Inborn genetic diseases. Identifiers: MedGen C0950123, MeSH D030342.

Allele frequency attached by ClinVar (database versions not stated): gnomAD 0.00001.
gnomAD v4.1: 1 of 1,611,804 alleles (0.000062%); highest among the groups gnomAD compares: African/African-American, 0.0013%; no homozygotes.

Submissions (2):

Ambry Genetics
Classification: Uncertain significance for Inborn genetic diseases. Last evaluated: 2024-10-04. Review status: criteria provided, single submitter. Criteria: Ambry Variant Classification Scheme 2023. Collection method: clinical testing. Allele origin: germline.

Labcorp Genetics (formerly Invitae), Labcorp
Classification: Uncertain significance. Last evaluated: 2021-12-22. Review status: criteria provided, single submitter. Criteria: Invitae Variant Classification Sherloc (09022015). Collection method: clinical testing. Allele origin: germline.
Comment: This sequence change replaces asparagine, which is neutral and polar, with serine, which is neutral and polar, at codon 427 of the CD2AP protein (p.Asn427Ser). This variant is not present in population databases (gnomAD no frequency). This variant has not been reported in the literature in individuals affected with CD2AP-related conditions. Algorithms developed to predict the effect of missense changes on protein structure and function are either unavailable or do not agree on the potential impact of this missense change (SIFT: "Tolerated"; PolyPhen-2: "Possibly Damaging"; Align-GVGD: "Class C0"). In summary, the available evidence is currently insufficient to determine the role of this variant in disease. Therefore, it has been classified as a Variant of Uncertain Significance.